The following is an entry in ClinVar:

ClinVar aggregate classification (germline): Benign (0 of 4 stars; one submission).

Conditions:
EIF3F-related disorder. Also called: EIF3F-related condition.

Allele frequency attached by ClinVar (database versions not stated): ExAC 0.02343; gnomAD exomes 0.02470; 1000 Genomes Project 0.03315; 1000 Genomes Project 30x 0.03342; gnomAD 0.03825; TOPMed 0.03930.
gnomAD v4.1: 41,672 of 1,605,270 alleles (2.6%); highest among the groups gnomAD compares: African/African-American, 7.5%; 700 homozygotes.

Submission:

PreventionGenetics, part of Exact Sciences
Classification: Benign for EIF3F-related condition. Last evaluated: 2019-10-28. Review status: no assertion criteria provided. Collection method: clinical testing. Allele origin: germline.
Comment: This variant is classified as benign based on ACMG/AMP sequence variant interpretation guidelines (Richards et al. 2015 PMID: 25741868, with internal and published modifications).

NM_003754.3(EIF3F):c.116C>T (p.Pro39Leu)

Gene: EIF3F (eukaryotic translation initiation factor 3 subunit F; plus strand). Cytogenetic location: 11p15.4.
Variant type: single nucleotide variant.
Coding change: c.116C>T on transcript NM_003754.3 (MANE Select); coding-DNA position 116, C replaced by T.
Protein change: p.Pro39Leu; replaces proline 39 with leucine.
Molecular consequence: missense variant.
Genome position (GRCh38, 1-based): chr11:7,987,468, C>T. VCF-style: chr11-7987468-C-T. GRCh37 (hg19) VCF-style: chr11-8009015-C-T.
Other names: short protein forms P39L.
Identifiers: ClinVar variation 3056649 (VCV003056649.2), dbSNP rs1043738, ClinGen allele CA5870409.